The following is an entry in ClinVar:

NM_017780.4(CHD7):c.4721T>C (p.Met1574Thr)

Gene: CHD7 (chromodomain helicase DNA binding protein 7; plus strand). Cytogenetic location: 8q12.2.
Variant type: single nucleotide variant.
Coding change: c.4721T>C on transcript NM_017780.4 (MANE Select); coding-DNA position 4721, T replaced by C.
Protein change: p.Met1574Thr; replaces methionine 1574 with threonine.
Molecular consequence: missense variant. On other transcripts: intron variant (1).
Genome position (GRCh38, 1-based): chr8:60,841,923, T>C. VCF-style: chr8-60841923-T-C. GRCh37 (hg19) VCF-style: chr8-61754482-T-C.
Other names: c.1717-20306T>C (NM_001316690.1); short protein forms M1574T.
Identifiers: ClinVar variation 2919072 (VCV002919072.3), dbSNP rs1227553495, ClinGen allele CA371319167.

ClinVar aggregate classification (germline): Uncertain significance (1 of 4 stars; one submission).

Conditions:
CHARGE syndrome (CHARGE). Also called: Hittner Hirsch Kreh syndrome; CHARGE ASSOCIATION--COLOBOMA, HEART ANOMALY, CHOANAL ATRESIA, RETARDATION, GENITAL AND EAR ANOMALIES; Coloboma, heart anomaly, choanal atresia, retardation, genital and ear anomalies; CHARGE association; Hall-Hittner syndrome. Identifiers: Orphanet 138, MedGen C0265354, MONDO:0008965.

Allele frequency attached by ClinVar (database versions not stated): gnomAD exomes below 0.00001; TOPMed 0.00001; gnomAD 0.00002.

Submission:

Labcorp Genetics (formerly Invitae), Labcorp
Classification: Uncertain significance for CHARGE syndrome. Last evaluated: 2025-03-03. Review status: criteria provided, single submitter. Criteria: Invitae Variant Classification Sherloc (09022015). Collection method: clinical testing. Allele origin: germline.
Comment: This sequence change replaces methionine, which is neutral and non-polar, with threonine, which is neutral and polar, at codon 1574 of the CHD7 protein (p.Met1574Thr). This variant is present in population databases (no rsID available, gnomAD 0.007%). This variant has not been reported in the literature in individuals affected with CHD7-related conditions. ClinVar contains an entry for this variant (Variation ID: 2919072). Invitae Evidence Modeling of protein sequence and biophysical properties (such as structural, functional, and spatial information, amino acid conservation, physicochemical variation, residue mobility, and thermodynamic stability) indicates that this missense variant is not expected to disrupt CHD7 protein function with a negative predictive value of 80%. In summary, the available evidence is currently insufficient to determine the role of this variant in disease. Therefore, it has been classified as a Variant of Uncertain Significance.